The following is an entry in ClinVar:

ClinVar aggregate classification (germline): Uncertain significance (1 of 4 stars; one submission).

Allele frequency attached by ClinVar (database versions not stated): gnomAD exomes below 0.00001; ExAC 0.00001; gnomAD 0.00001; ESP Exome Variant Server 0.00008.
gnomAD v4.1: 2 of 1,613,998 alleles (0.00012%); highest among the groups gnomAD compares: Non-Finnish European, 0.00017%; no homozygotes.

Submission:

Ambry Genetics
Classification: Uncertain significance. Last evaluated: 2023-02-23. Review status: criteria provided, single submitter. Criteria: Ambry Variant Classification Scheme 2023. Collection method: clinical testing. Allele origin: germline.
Comment: The p.N596K variant (also known as c.1788C>G), located in coding exon 16 of the RAD54L gene, results from a C to G substitution at nucleotide position 1788. The asparagine at codon 596 is replaced by lysine, an amino acid with similar properties. This amino acid position is conserved. In addition, the in silico prediction for this alteration is inconclusive. Since supporting evidence is limited at this time, the clinical significance of this alteration remains unclear.

NM_003579.4(RAD54L):c.1788C>G (p.Asn596Lys)

Gene: RAD54L (RAD54 like; plus strand). Cytogenetic location: 1p34.1.
Variant type: single nucleotide variant.
Coding change: c.1788C>G on transcript NM_003579.4 (MANE Select); coding-DNA position 1788, C replaced by G.
Protein change: p.Asn596Lys; replaces asparagine 596 with lysine.
Molecular consequence: missense variant.
Genome position (GRCh38, 1-based): chr1:46,274,636, C>G. VCF-style: chr1-46274636-C-G. GRCh37 (hg19) VCF-style: chr1-46740308-C-G.
Other names: c.1788C>G, p.Asn596Lys (NM_001142548.2); c.1248C>G, p.Asn416Lys (NM_001370766.1); short protein forms N416K, N596K.
Identifiers: ClinVar variation 2465312 (VCV002465312.2), dbSNP rs369525517, ClinGen allele CA834715.